The following is an entry in ClinVar:

ClinVar aggregate classification (germline): Uncertain significance (1 of 4 stars; one submission).

Conditions:
Hepatic veno-occlusive disease-immunodeficiency syndrome. Also called: Hepatic Veno-Occlusive Disease with Immunodeficiency. Identifiers: Orphanet 79124, MedGen C1856128, MONDO:0009338, OMIM 235550. Disease mechanism: loss of function.

Submission:

Labcorp Genetics (formerly Invitae), Labcorp
Classification: Uncertain significance for Hepatic veno-occlusive disease-immunodeficiency syndrome. Last evaluated: 2022-08-23. Review status: criteria provided, single submitter. Criteria: Invitae Variant Classification Sherloc (09022015). Collection method: clinical testing. Allele origin: germline.
Comment: In summary, the available evidence is currently insufficient to determine the role of this variant in disease. Therefore, it has been classified as a Variant of Uncertain Significance. Algorithms developed to predict the effect of missense changes on protein structure and function output the following: SIFT: "Tolerated"; PolyPhen-2: "Benign"; Align-GVGD: "Class C0". The asparagine amino acid residue is found in multiple mammalian species, which suggests that this missense change does not adversely affect protein function. ClinVar contains an entry for this variant (Variation ID: 1041059). This variant has not been reported in the literature in individuals affected with SP110-related conditions. This variant is not present in population databases (gnomAD no frequency). This sequence change replaces serine, which is neutral and polar, with asparagine, which is neutral and polar, at codon 225 of the SP110 protein (p.Ser225Asn).

NM_080424.4(SP110):c.674G>A (p.Ser225Asn)

Genes: SP110 (SP110 nuclear body protein; minus strand), SP140 (SP140 nuclear body protein; plus strand). Cytogenetic location: 2q37.1.
Variant type: single nucleotide variant.
Coding change: c.674G>A on transcript NM_080424.4 (MANE Select); coding-DNA position 674, G replaced by A.
Protein change: p.Ser225Asn; replaces serine 225 with asparagine.
Molecular consequence: missense variant.
Genome position (GRCh38, 1-based): chr2:230,211,547, C>T on the plus strand (G>A on the coding strand, the complement: SP110 is on the minus strand). VCF-style: chr2-230211547-C-T. GRCh37 (hg19) VCF-style: chr2-231076262-C-T.
Other names: c.692G>A, p.Ser231Asn (NM_001185015.2, NM_001378442.1, NM_001378444.1 and 2 more transcripts); c.674G>A, p.Ser225Asn (NM_001378443.1, NM_001378447.1, NM_004509.5 and 1 more transcripts); short protein forms S225N, S231N.
Identifiers: ClinVar variation 1041059 (VCV001041059.8), dbSNP rs199743367, ClinGen allele CA350915572.